The following is an entry in ClinVar:

NM_000143.4(FH):c.702T>G (p.Thr234=)

Gene: FH (fumarate hydratase; minus strand). Cytogenetic location: 1q43.
Variant type: single nucleotide variant.
Coding change: c.702T>G on transcript NM_000143.4 (MANE Select); coding-DNA position 702, T replaced by G.
Protein change: p.Thr234=; no amino-acid change (threonine 234 retained).
Molecular consequence: synonymous variant.
Genome position (GRCh38, 1-based): chr1:241,508,639, A>C on the plus strand (T>G on the coding strand, the complement: FH is on the minus strand). VCF-style: chr1-241508639-A-C. GRCh37 (hg19) VCF-style: chr1-241671939-A-C.
Identifiers: ClinVar variation 429171 (VCV000429171.25), dbSNP rs201083387, ClinGen allele CA1478629.

ClinVar aggregate classification (germline): Conflicting classifications of pathogenicity. Review status: criteria provided, conflicting classifications (1 of 4 stars). 9 submissions from 9 submitters: Uncertain significance (1); Benign (3); Likely benign (4). 1 of the submissions does not count toward it. Last evaluated 2026-02-01.

Conditions:
FH-related disorder. Also called: FH-related disorders; FH-related condition.
Hereditary cancer-predisposing syndrome. Also called: Hereditary Cancer Syndrome; Tumor predisposition; Hereditary neoplastic syndrome; Neoplastic Syndromes, Hereditary. Identifiers: Orphanet 140162, MedGen C0027672, MeSH D009386, MONDO:0015356.
Hereditary leiomyomatosis and renal cell cancer. Also called: Multiple cutaneous leiomyomas; Reed syndrome; Multiple cutaneous and uterine leiomyomatosis; Cutaneous leiomyomata with uterine leiomyomata; Leiomyoma, hereditary multiple, of skin; Multiple cutaneous and uterine leiomyomata. Identifiers: Orphanet 523, MedGen C1708350, MONDO:0007888, OMIM 150800, HP:0007437. Disease mechanism: loss of function.
Fumarase deficiency (FMRD). Also called: Fumarate Hydratase Deficiency; Fumaric aciduria. Identifiers: Orphanet 24, MedGen C0342770, MONDO:0011730, OMIM 606812.

Allele frequency attached by ClinVar (database versions not stated): gnomAD 0.00002 and 0.00016; TOPMed 0.00009; gnomAD exomes 0.00022 and 0.00048; ExAC 0.00054; 1000 Genomes Project 30x 0.00109; 1000 Genomes Project 0.00140.
gnomAD v4.1: 353 of 1,613,928 alleles (0.022%); highest among the groups gnomAD compares: South Asian, 0.36%; 2 homozygotes.

Submissions (9):

Labcorp Genetics (formerly Invitae), Labcorp
Classification: Benign. Last evaluated: 2026-02-01. Review status: criteria provided, single submitter. Criteria: Invitae Variant Classification Sherloc (09022015). Collection method: clinical testing. Allele origin: germline.

PreventionGenetics, part of Exact Sciences
Classification: Benign for FH-related condition. Last evaluated: 2025-07-28. Review status: criteria provided, single submitter. Criteria: ACMG Guidelines, 2015. Collection method: clinical testing. Allele origin: germline.
Comment: This variant is classified as benign based on ACMG/AMP sequence variant interpretation guidelines (Richards et al. 2015 PMID: 25741868, with internal and published modifications).

Center for Genomic Medicine, Rigshospitalet, Copenhagen University Hospital
Classification: Uncertain significance. Last evaluated: 2025-03-04. Review status: criteria provided, single submitter. Criteria: ACMG Guidelines, 2015. Collection method: clinical testing. Allele origin: germline.

Myriad Genetics, Inc.
Classification: Benign for Hereditary leiomyomatosis and renal cell cancer. Last evaluated: 2024-10-18. Review status: criteria provided, single submitter. Criteria: Myriad Autosomal Dominant, Autosomal Recessive and X-Linked Classification Criteria (2023). Collection method: clinical testing. Allele origin: unknown.
Comment: This variant is considered benign. This variant is a silent/synonymous amino acid change and it is not expected to impact splicing.

Blueprint Genetics
Classification: Likely benign. Last evaluated: 2024-08-29. Review status: criteria provided, single submitter. Criteria: ACMG Guidelines, 2015. Collection method: clinical testing. Allele origin: germline.

GeneDx
Classification: Likely benign. Last evaluated: 2020-11-10. Review status: criteria provided, single submitter. Criteria: GeneDx Variant Classification Process June 2021. Collection method: clinical testing. Allele origin: germline. Affected: yes.
Comment: Has not been previously published as pathogenic or benign to our knowledge

Sema4
Classification: Likely benign for Hereditary cancer-predisposing syndrome. Last evaluated: 2020-05-10. Review status: criteria provided, single submitter. Criteria: Sema4 Curation Guidelines. Collection method: curation. Allele origin: germline.

Ambry Genetics
Classification: Likely benign for Hereditary cancer-predisposing syndrome. Last evaluated: 2019-04-29. Review status: criteria provided, single submitter. Criteria: Ambry Variant Classification Scheme 2023. Collection method: clinical testing. Allele origin: germline.

Natera, Inc.
Classification: Benign for Fumarase deficiency. Last evaluated: 2020-01-10. Review status: no assertion criteria provided. Collection method: clinical testing. Allele origin: germline. Not counted in ClinVar's aggregate classification.

Literature cited by the submitters: PubMed 19339519 (cited by Ambry Genetics).